The following is an entry in ClinVar:

NM_004333.6(BRAF):c.980+2878C>G

Gene: BRAF (B-Raf proto-oncogene, serine/threonine kinase; minus strand). Cytogenetic location: 7q34.
Variant type: single nucleotide variant.
Coding change: c.980+2878C>G on transcript NM_004333.6 (MANE Select); 2878 bases into the intron after coding-DNA position 980, C replaced by G.
Molecular consequence: intron variant.
Genome position (GRCh38, 1-based): chr7:140,797,484, G>C on the plus strand (C>G on the coding strand, the complement: BRAF is on the minus strand). VCF-style: chr7-140797484-G-C. GRCh37 (hg19) VCF-style: chr7-140497284-G-C.
Other names: c.980+2878C>G (NM_001378474.1, NM_001378471.1, NM_001378468.1 and 4 more transcripts); c.878+2878C>G (NM_001378470.1); c.716+2878C>G (NM_001378475.1); c.989+2878C>G (NM_001378467.1); c.824+2878C>G (NM_001378472.1, NM_001378473.1).
Identifiers: ClinVar variation 1676085 (VCV001676085.33), dbSNP rs577616802, ClinGen allele CA168103273.
Genomic context (GRCh38, chr7:140,797,484, plus strand): 5'-ACCATTATTATTGTTATCAGGACTAGTAACAAACTGCAAAAGAGTTTTGATACTGAACAA[G>C]ATTGGCTTCTATCTTTACAGAGACAACCATATGGAGTTATGTCATAAAAACATCAGGAAA-3'

ClinVar aggregate classification (germline): Benign (1 of 4 stars; one submission).

Allele frequency attached by ClinVar (database versions not stated): 1000 Genomes Project 30x 0.00172; 1000 Genomes Project 0.00200; TOPMed 0.00200; gnomAD 0.00233 and 0.00259.
gnomAD v4.1: 395 of 152,250 alleles (0.26%); highest among the groups gnomAD compares: Middle Eastern, 1.4%; 1 homozygote.

Submission:

CeGaT Center for Human Genetics Tuebingen
Classification: Benign. Last evaluated: 2022-12-01. Review status: criteria provided, single submitter. Criteria: CeGaT Center For Human Genetics Tuebingen Variant Classification Criteria Version 2. Collection method: clinical testing. Allele origin: germline. Affected: yes. Observed: 7 variant alleles.
Comment: BRAF: BS1, BS2